The following is an entry in ClinVar:

ClinVar aggregate classification (germline): Likely benign (1 of 4 stars; one submission).

gnomAD v4.1: 1 of 1,614,126 alleles (0.000062%); highest among the groups gnomAD compares: South Asian, 0.0011%; no homozygotes.

Submission:

CeGaT Center for Human Genetics Tuebingen
Classification: Likely benign. Last evaluated: 2026-04-01. Review status: criteria provided, single submitter. Criteria: CeGaT Center For Human Genetics Tuebingen Variant Classification Criteria Version 2. Collection method: clinical testing. Allele origin: germline. Affected: yes. Observed: 1 variant allele.
Comment: SERPIND1: BP4, BP7

NM_000185.4(SERPIND1):c.237T>C (p.Tyr79=)

Genes: PI4KA (phosphatidylinositol 4-kinase alpha; minus strand), SERPIND1 (serpin family D member 1; plus strand). Cytogenetic location: 22q11.21.
Variant type: single nucleotide variant.
Coding change: c.237T>C on transcript NM_000185.4 (MANE Select); coding-DNA position 237, T replaced by C.
Protein change: p.Tyr79=; no amino-acid change (tyrosine 79 retained).
Molecular consequence: synonymous variant. On other transcripts: intron variant (3).
Genome position (GRCh38, 1-based): chr22:20,779,549, T>C. VCF-style: chr22-20779549-T-C. GRCh37 (hg19) VCF-style: chr22-21133837-T-C.
Other names: c.2262+13644A>G (NM_001362863.2); c.2328+13644A>G (NM_001362862.2, NM_058004.4).
Identifiers: ClinVar variation 4874760 (VCV004874760.2).